The following is an entry in ClinVar:

ClinVar aggregate classification (germline): Uncertain significance (1 of 4 stars; one submission).

Conditions:
Aicardi-Goutieres syndrome 4. Identifiers: Orphanet 51, MedGen C1835912, MONDO:0012472, OMIM 610333.

Allele frequency attached by ClinVar (database versions not stated): TOPMed 0.00002.
gnomAD v4.1: 8 of 1,613,636 alleles (0.0005%); highest among the groups gnomAD compares: Admixed American, 0.0067%; no homozygotes.

Submission:

Labcorp Genetics (formerly Invitae), Labcorp
Classification: Uncertain significance for Aicardi-Goutieres syndrome 4. Last evaluated: 2021-08-26. Review status: criteria provided, single submitter. Criteria: Invitae Variant Classification Sherloc (09022015). Collection method: clinical testing. Allele origin: germline.
Comment: This sequence change replaces glycine with valine at codon 43 of the RNASEH2A protein (p.Gly43Val). The glycine residue is highly conserved and there is a moderate physicochemical difference between glycine and valine. This variant is present in population databases (rs755133697, ExAC 0.01%). This variant has not been reported in the literature in individuals affected with RNASEH2A-related conditions. Algorithms developed to predict the effect of missense changes on protein structure and function are either unavailable or do not agree on the potential impact of this missense change (SIFT: "Deleterious"; PolyPhen-2: "Probably Damaging"; Align-GVGD: "Class C15"). Algorithms developed to predict the effect of sequence changes on RNA splicing suggest that this variant may disrupt the consensus splice site. In summary, the available evidence is currently insufficient to determine the role of this variant in disease. Therefore, it has been classified as a Variant of Uncertain Significance.

NM_006397.3(RNASEH2A):c.128G>T (p.Gly43Val)

Gene: RNASEH2A (ribonuclease H2 subunit A; plus strand). Cytogenetic location: 19p13.13.
Variant type: single nucleotide variant.
Coding change: c.128G>T on transcript NM_006397.3 (MANE Select); coding-DNA position 128, G replaced by T.
Protein change: p.Gly43Val; replaces glycine 43 with valine.
Molecular consequence: missense variant.
Genome position (GRCh38, 1-based): chr19:12,807,008, G>T. VCF-style: chr19-12807008-G-T. GRCh37 (hg19) VCF-style: chr19-12917822-G-T.
Other names: short protein forms G43V.
Identifiers: ClinVar variation 1038219 (VCV001038219.6), dbSNP rs755133697, ClinGen allele CA9231751.